The following is an entry in ClinVar:

ClinVar aggregate classification (germline): Uncertain significance (1 of 4 stars; one submission).

Conditions:
Hereditary cancer-predisposing syndrome. Also called: Neoplastic Syndromes, Hereditary; Tumor predisposition; Hereditary Cancer Syndrome; Hereditary neoplastic syndrome. Identifiers: Orphanet 140162, MedGen C0027672, MeSH D009386, MONDO:0015356.

Submission:

Ambry Genetics
Classification: Uncertain significance for Hereditary cancer-predisposing syndrome. Last evaluated: 2026-06-12. Review status: criteria provided, single submitter. Criteria: Ambry Variant Classification Scheme 2023. Collection method: clinical testing. Allele origin: germline.
Comment: The p.D577E variant (also known as c.1731C>A), located in coding exon 15 of the EGFR gene, results from a C to A substitution at nucleotide position 1731. The aspartic acid at codon 577 is replaced by glutamic acid, an amino acid with highly similar properties. This amino acid position is conserved. In addition, this alteration is predicted to be tolerated by in silico analysis. Based on the available evidence, the clinical significance of this variant remains unclear.

NM_005228.5(EGFR):c.1731C>A (p.Asp577Glu)

Gene: EGFR (epidermal growth factor receptor; plus strand). Cytogenetic location: 7p11.2.
Variant type: single nucleotide variant.
Coding change: c.1731C>A on transcript NM_005228.5 (MANE Select); coding-DNA position 1731, C replaced by A.
Protein change: p.Asp577Glu; replaces aspartic acid 577 with glutamic acid.
Molecular consequence: missense variant.
Genome position (GRCh38, 1-based): chr7:55,165,288, C>A. VCF-style: chr7-55165288-C-A. GRCh37 (hg19) VCF-style: chr7-55232981-C-A.
Other names: c.1596C>A, p.Asp532Glu (NM_001346897.2, NM_001346899.2); c.1731C>A, p.Asp577Glu (NM_001346898.2, NM_201282.2, NM_201284.2); c.1572C>A, p.Asp524Glu (NM_001346900.2); c.930C>A, p.Asp310Glu (NM_001346941.2); short protein forms D310E, D524E, D532E, D577E.
Identifiers: ClinVar variation 4870296 (VCV004870296.1).